The following is an entry in ClinVar:

ClinVar aggregate classification (germline): Benign/Likely benign. Review status: criteria provided, multiple submitters, no conflicts (2 of 4 stars). 2 submissions from 2 submitters: Benign (1); Likely benign (1). Last evaluated 2023-11-27.

Allele frequency attached by ClinVar (database versions not stated): gnomAD 0.00001 and 0.00002; TOPMed 0.00003; 1000 Genomes Project 30x 0.00016; gnomAD exomes 0.00016; ExAC 0.00036.
gnomAD v4.1: 75 of 1,584,822 alleles (0.0047%); highest among the groups gnomAD compares: East Asian, 0.17%; no homozygotes.

Submissions (2):

Labcorp Genetics (formerly Invitae), Labcorp
Classification: Benign. Last evaluated: 2023-11-27. Review status: criteria provided, single submitter. Criteria: Invitae Variant Classification Sherloc (09022015). Collection method: clinical testing. Allele origin: germline.

GeneDx
Classification: Likely benign. Last evaluated: 2016-03-04. Review status: criteria provided, single submitter. Criteria: GeneDx Variant Classification (06012015). Collection method: clinical testing. Allele origin: germline. Affected: yes.
Comment: This variant is considered likely benign or benign based on one or more of the following criteria: it is a conservative change, it occurs at a poorly conserved position in the protein, it is predicted to be benign by multiple in silico algorithms, and/or has population frequency not consistent with disease.

NM_018060.4(IARS2):c.267+8C>A

Gene: IARS2 (isoleucyl-tRNA synthetase 2, mitochondrial; plus strand). Cytogenetic location: 1q41.
Variant type: single nucleotide variant.
Coding change: c.267+8C>A on transcript NM_018060.4 (MANE Select); 8 bases into the intron after coding-DNA position 267, C replaced by A.
Molecular consequence: intron variant.
Genome position (GRCh38, 1-based): chr1:220,094,491, C>A. VCF-style: chr1-220094491-C-A. GRCh37 (hg19) VCF-style: chr1-220267833-C-A.
Identifiers: ClinVar variation 383632 (VCV000383632.9), dbSNP rs755614129, ClinGen allele CA1401056.